The following is an entry in ClinVar:

NM_031407.7(HUWE1):c.12573C>G (p.Pro4191=)

Gene: HUWE1 (HECT, UBA and WWE domain containing E3 ubiquitin protein ligase 1; minus strand). Cytogenetic location: Xp11.22.
Variant type: single nucleotide variant.
Coding change: c.12573C>G on transcript NM_031407.7 (MANE Select); coding-DNA position 12573, C replaced by G.
Protein change: p.Pro4191=; no amino-acid change (proline 4191 retained).
Molecular consequence: synonymous variant.
Genome position (GRCh38, 1-based): chrX:53,535,460, G>C on the plus strand (C>G on the coding strand, the complement: HUWE1 is on the minus strand). VCF-style: chrX-53535460-G-C. GRCh37 (hg19) VCF-style: chrX-53562421-G-C.
Identifiers: ClinVar variation 129244 (VCV000129244.25), dbSNP rs140734968, ClinGen allele CA231173.

ClinVar aggregate classification (germline): Conflicting classifications of pathogenicity. Review status: criteria provided, conflicting classifications (1 of 4 stars). 8 submissions from 8 submitters: Uncertain significance (1); Benign (2); Likely benign (2). 3 of the submissions do not count toward it. Last evaluated 2026-01-21.

Conditions:
Inborn genetic diseases. Identifiers: MedGen C0950123, MeSH D030342.
HUWE1-related disorder. Also called: HUWE1-related condition.

Allele frequency attached by ClinVar (database versions not stated): TOPMed 0.00041; 1000 Genomes Project 30x 0.00062; ESP Exome Variant Server 0.00076; 1000 Genomes Project 0.00079; ExAC 0.00256; gnomAD exomes 0.00322; gnomAD 0.00558.
gnomAD v4.1: 2,137 of 1,206,433 alleles (0.18%); highest among the groups gnomAD compares: Non-Finnish European, 0.07%; 21 homozygotes.

Submissions (8):

Labcorp Genetics (formerly Invitae), Labcorp
Classification: Benign. Last evaluated: 2026-01-21. Review status: criteria provided, single submitter. Criteria: Invitae Variant Classification Sherloc (09022015). Collection method: clinical testing. Allele origin: germline.

Blueprint Genetics
Classification: Likely benign. Last evaluated: 2024-10-18. Review status: criteria provided, single submitter. Criteria: ACMG Guidelines, 2015. Collection method: clinical testing. Allele origin: germline.

GeneDx
Classification: Likely benign. Last evaluated: 2021-07-26. Review status: criteria provided, single submitter. Criteria: GeneDx Variant Classification Process June 2021. Collection method: clinical testing. Allele origin: germline. Affected: yes.

Ambry Genetics
Classification: Benign for Inborn genetic diseases. Last evaluated: 2017-03-27. Review status: criteria provided, single submitter. Criteria: Ambry Variant Classification Scheme 2023. Collection method: clinical testing. Allele origin: germline.

Genetic Services Laboratory, University of Chicago
Classification: Uncertain significance. Last evaluated: 2013-06-05. Review status: criteria provided, single submitter. Criteria: ACMG Guidelines, 2007. Collection method: clinical testing. Allele origin: germline. Inheritance: X-linked inheritance.

PreventionGenetics, part of Exact Sciences
Classification: Benign for HUWE1-related condition. Last evaluated: 2019-08-12. Review status: no assertion criteria provided. Collection method: clinical testing. Allele origin: germline. Not counted in ClinVar's aggregate classification.
Comment: This variant is classified as benign based on ACMG/AMP sequence variant interpretation guidelines (Richards et al. 2015 PMID: 25741868, with internal and published modifications).

Clinical Genetics DNA and cytogenetics Diagnostics Lab, Erasmus MC, Erasmus Medical Center
Classification: Likely benign. Review status: no assertion criteria provided. Collection method: clinical testing. Allele origin: germline. Affected: yes. Study: VKGL Data-share Consensus. Not counted in ClinVar's aggregate classification.

Genome Diagnostics Laboratory, University Medical Center Utrecht
Classification: Likely benign. Review status: no assertion criteria provided. Collection method: clinical testing. Allele origin: germline. Affected: yes. Study: VKGL Data-share Consensus. Not counted in ClinVar's aggregate classification.